The following is an entry in ClinVar:

ClinVar aggregate classification (germline): Likely pathogenic (1 of 4 stars; one submission).

Submission:

Labcorp Genetics (formerly Invitae), Labcorp
Classification: Likely pathogenic. Last evaluated: 2025-08-06. Review status: criteria provided, single submitter. Criteria: Invitae Variant Classification Sherloc (09022015). Collection method: clinical testing. Allele origin: germline.
Comment: This sequence change affects an acceptor splice site in intron 21 of the PIK3C2A gene. It is expected to disrupt RNA splicing. Variants that disrupt the donor or acceptor splice site typically lead to a loss of protein function (PMID: 16199547), and loss-of-function variants in PIK3C2A are known to be pathogenic (PMID: 31034465). This variant is not present in population databases (gnomAD no frequency). This variant has not been reported in the literature in individuals affected with PIK3C2A-related conditions. Algorithms developed to predict the effect of sequence changes on RNA splicing suggest that this variant may disrupt the consensus splice site. In summary, the currently available evidence indicates that the variant is pathogenic, but additional data are needed to prove that conclusively. Therefore, this variant has been classified as Likely Pathogenic.

Literature cited by the submitters: PubMed 16199547; PubMed 31034465.

NM_002645.4(PIK3C2A):c.3415-2A>G

Gene: PIK3C2A (phosphatidylinositol-4-phosphate 3-kinase catalytic subunit type 2 alpha; minus strand). Cytogenetic location: 11p15.1.
Variant type: single nucleotide variant.
Coding change: c.3415-2A>G on transcript NM_002645.4 (MANE Select); the canonical splice acceptor site of the intron before coding-DNA position 3415, A replaced by G.
Molecular consequence: splice acceptor variant.
Genome position (GRCh38, 1-based): chr11:17,110,563, T>C on the plus strand (A>G on the coding strand, the complement: PIK3C2A is on the minus strand). VCF-style: chr11-17110563-T-C. GRCh37 (hg19) VCF-style: chr11-17132110-T-C.
Other names: c.2275-2A>G (NM_001321380.2); c.3247-2A>G (NM_001386870.1); c.3415-2A>G (NM_001321378.2).
Identifiers: ClinVar variation 4724938 (VCV004724938.1).
Genomic context (GRCh38, chr11:17,110,563, plus strand): 5'-TTATCCATAATCTTTATCATCTGTAAAGCTAACATATCTTGCCGAAGATCTTCACCAACC[T>C]TGAAATCAAGGAAACAAAATGAAACTTGTACATCTCCAAAAGACTTAACAGATTACATAC-3'